The following is an entry in ClinVar:

ClinVar aggregate classification (germline): Uncertain significance. Review status: criteria provided, multiple submitters, no conflicts (2 of 4 stars). 5 submissions from 5 submitters: Uncertain significance (5). Last evaluated 2025-08-22.

Conditions:
FOXP3-related disorder. Also called: FOXP3-related condition.
Insulin-dependent diabetes mellitus secretory diarrhea syndrome (IPEX). Also called: ENTEROPATHY, AUTOIMMUNE, WITH HEMOLYTIC ANEMIA AND POLYENDOCRINOPATHY; Immune dysregulation-polyendocrinopathy-enteropathy-X-linked syndrome; Immunodysregulation, polyendocrinopathy, and enteropathy, X-linked; X-Linked Autoimmunity-Allergic Dysregulation Syndrome; IPEX and IPEX-Like; Immunodeficiency, Polyendocrinopathy, and Enteropathy X-Linked Syndrome. Identifiers: Orphanet 37042, MedGen C0342288, MONDO:0010580, OMIM 304790. Disease mechanism: loss of function.

Allele frequency attached by ClinVar (database versions not stated): gnomAD exomes below 0.00001; TOPMed 0.00002; gnomAD 0.00003 and 0.00004.
gnomAD v4.1: 6 of 1,165,763 alleles (0.00051%); highest among the groups gnomAD compares: African/African-American, 0.0072%; no homozygotes.

Submissions (5):

Labcorp Genetics (formerly Invitae), Labcorp
Classification: Uncertain significance for Insulin-dependent diabetes mellitus secretory diarrhea syndrome. Last evaluated: 2025-08-22. Review status: criteria provided, single submitter. Criteria: Invitae Variant Classification Sherloc (09022015). Collection method: clinical testing. Allele origin: germline.
Comment: This sequence change replaces arginine, which is basic and polar, with glutamine, which is neutral and polar, at codon 51 of the FOXP3 protein (p.Arg51Gln). This variant is not present in population databases (gnomAD no frequency). This missense change has been observed in individual(s) with IPEX syndrome (PMID: 30385752). ClinVar contains an entry for this variant (Variation ID: 1331496). Invitae Evidence Modeling of protein sequence and biophysical properties (such as structural, functional, and spatial information, amino acid conservation, physicochemical variation, residue mobility, and thermodynamic stability) indicates that this missense variant is not expected to disrupt FOXP3 protein function with a negative predictive value of 80%. In summary, the available evidence is currently insufficient to determine the role of this variant in disease. Therefore, it has been classified as a Variant of Uncertain Significance.

Fulgent Genetics
Classification: Uncertain significance for Insulin-dependent diabetes mellitus secretory diarrhea syndrome. Last evaluated: 2024-02-28. Review status: criteria provided, single submitter. Criteria: ACMG Guidelines, 2015. Collection method: clinical testing. Allele origin: germline.

PreventionGenetics, part of Exact Sciences
Classification: Uncertain significance for FOXP3-related condition. Last evaluated: 2023-03-15. Review status: criteria provided, single submitter. Criteria: ACMG Guidelines, 2015. Collection method: clinical testing. Allele origin: germline.
Comment: The FOXP3 c.152G>A variant is predicted to result in the amino acid substitution p.Arg51Gln. This variant was reported in an individual with IPEX syndrome (Duclaux-Loras et al 2018. PubMed ID: 30385752). This variant has not been reported in a large population database, indicating this variant is rare. At this time, the clinical significance of this variant is uncertain due to the absence of conclusive functional and genetic evidence.

Women's Health and Genetics/Laboratory Corporation of America, LabCorp
Classification: Uncertain significance. Last evaluated: 2021-12-28. Review status: criteria provided, single submitter. Criteria: LabCorp Variant Classification Summary - May 2015. Collection method: clinical testing. Allele origin: germline.
Comment: Variant summary: FOXP3 c.152G>A (p.Arg51Gln) results in a conservative amino acid change in the encoded protein sequence. Four of five in-silico tools predict a benign effect of the variant on protein function. The variant was absent in 113449 control chromosomes. The available data on variant occurrences in the general population are insufficient to allow any conclusion about variant significance. c.152G>A has been reported in the literature as a non-informative genotype (second allele/zygosity not specified) in at-least one individual from a cohort affected with Immune dysregulation, polyendocrinopathy, enteropathy, X-linked (IPEX) syndrome (example, Duclaux-Loras_2018). These report(s) do not provide unequivocal conclusions about association of the variant with Insulin-Dependent Diabetes Mellitus Secretory Diarrhea Syndrome. To our knowledge, no experimental evidence demonstrating an impact on protein function has been reported. No clinical diagnostic laboratories have submitted clinical-significance assessments for this variant to ClinVar after 2014. Based on the evidence outlined above, the variant was classified as uncertain significance.

Blueprint Genetics
Classification: Uncertain significance. Last evaluated: 2021-12-21. Review status: criteria provided, single submitter. Criteria: ACMG Guidelines, 2015. Collection method: clinical testing. Allele origin: germline.

Literature cited by the submitters: PubMed 30385752 (cited by Labcorp Genetics (formerly Invitae), Labcorp and Women's Health and Genetics/Laboratory Corporation of America, LabCorp).

NM_014009.4(FOXP3):c.152G>A (p.Arg51Gln)

Gene: FOXP3 (forkhead box P3; minus strand). Cytogenetic location: Xp11.23.
Variant type: single nucleotide variant.
Coding change: c.152G>A on transcript NM_014009.4 (MANE Select); coding-DNA position 152, G replaced by A.
Protein change: p.Arg51Gln; replaces arginine 51 with glutamine.
Molecular consequence: missense variant.
Genome position (GRCh38, 1-based): chrX:49,258,354, C>T on the plus strand (G>A on the coding strand, the complement: FOXP3 is on the minus strand). VCF-style: chrX-49258354-C-T. GRCh37 (hg19) VCF-style: chrX-49114811-C-T.
Other names: c.152G>A, p.Arg51Gln (NM_001114377.2); short protein forms R51Q.
Identifiers: ClinVar variation 1331496 (VCV001331496.9), dbSNP rs1170772176, ClinGen allele CA412953978.